The following is an entry in ClinVar:

ClinVar aggregate classification (germline): Uncertain significance. Review status: criteria provided, multiple submitters, no conflicts (2 of 4 stars). 2 submissions from 2 submitters: Uncertain significance (2). Last evaluated 2025-06-10.

Conditions:
Eichsfeld type congenital muscular dystrophy (CMYO3). Also called: Rigid spine muscular dystrophy 1; MYOPATHY, SEPN1-RELATED; SELENON-related myopathy; Congenital myopathy 3 with rigid spine. Identifiers: MedGen C0410180, MONDO:0100100, OMIM 602771.
Inborn genetic diseases. Identifiers: MedGen C0950123, MeSH D030342.

Allele frequency attached by ClinVar (database versions not stated): gnomAD 0.00003; TOPMed 0.00003.
gnomAD v4.1: 99 of 1,093,802 alleles (0.0091%); highest among the groups gnomAD compares: Non-Finnish European, 0.0099%; no homozygotes.

Submissions (2):

Ambry Genetics
Classification: Uncertain significance for Inborn genetic diseases. Last evaluated: 2025-06-10. Review status: criteria provided, single submitter. Criteria: Ambry Variant Classification Scheme 2023. Collection method: clinical testing. Allele origin: germline.

Labcorp Genetics (formerly Invitae), Labcorp
Classification: Uncertain significance for Eichsfeld type congenital muscular dystrophy. Last evaluated: 2022-10-11. Review status: criteria provided, single submitter. Criteria: Invitae Variant Classification Sherloc (09022015). Collection method: clinical testing. Allele origin: germline.
Comment: In summary, the available evidence is currently insufficient to determine the role of this variant in disease. Therefore, it has been classified as a Variant of Uncertain Significance. Advanced modeling of protein sequence and biophysical properties (such as structural, functional, and spatial information, amino acid conservation, physicochemical variation, residue mobility, and thermodynamic stability) performed at Invitae indicates that this missense variant is not expected to disrupt SELENON protein function. ClinVar contains an entry for this variant (Variation ID: 1052161). This variant has not been reported in the literature in individuals affected with SELENON-related conditions. This variant is not present in population databases (gnomAD no frequency). This sequence change replaces cysteine, which is neutral and slightly polar, with tyrosine, which is neutral and polar, at codon 49 of the SELENON protein (p.Cys49Tyr).

NM_206926.2(SELENON):c.146G>A (p.Cys49Tyr)

Gene: SELENON (selenoprotein N; plus strand). Cytogenetic location: 1p36.11.
Variant type: single nucleotide variant.
Coding change: c.146G>A on transcript NM_206926.2 (MANE Select); coding-DNA position 146, G replaced by A.
Protein change: p.Cys49Tyr; replaces cysteine 49 with tyrosine.
Molecular consequence: missense variant.
Genome position (GRCh38, 1-based): chr1:25,800,376, G>A. VCF-style: chr1-25800376-G-A. GRCh37 (hg19) VCF-style: chr1-26126867-G-A.
Other names: c.146G>A, p.Cys49Tyr (NM_020451.3); c.146G>A (NM_020451.2); short protein forms C49Y.
Identifiers: ClinVar variation 1052161 (VCV001052161.8), dbSNP rs1023254639, ClinGen allele CA19693165.
Genomic context (GRCh38, chr1:25,800,376, plus strand): 5'-GTTCCCTGGCGCTGCTCGGAGCCCTGCTGGCCGCCGCCGCTGCCGCCGCCGTCCGGGTCT[G>A]CGCCCGCCACGCCGAGGCCCAGGCGGCCGCGCGGCAGGTCCGGGCCCGAGCTGGCTGGGG-3'
Protein context (NP_996809.1, residues 39-59): AAAAAAAVRV[Cys49Tyr]ARHAEAQAAA